The following is an entry in ClinVar:

ClinVar aggregate classification (germline): Pathogenic (1 of 4 stars; one submission).

Conditions:
Microcephaly, growth restriction, and increased sister chromatid exchange 2. Identifiers: MedGen C4748176, MONDO:0020628, OMIM 618097.

Submission:

Victorian Clinical Genetics Services, Murdoch Childrens Research Institute
Classification: Pathogenic for Microcephaly, growth restriction, and increased sister chromatid exchange 2. Last evaluated: 2024-09-19. Review status: criteria provided, single submitter. Criteria: ACMG Guidelines, 2015. Collection method: clinical testing. Allele origin: germline. Inheritance: Autosomal recessive inheritance. Affected: yes.
Comment: Based on the classification scheme VCGS_Germline_v1.3.4, this variant is classified as Pathogenic. Following criteria are met: 0102 - Loss of function is a known mechanism of disease in this gene and is associated with Microcephaly, growth restriction, and increased sister chromatid exchange 2, (MIM#618097). (I) 0106 - This gene is associated with autosomal recessive disease. (I) 0201 - Variant is predicted to cause nonsense-mediated decay (NMD) and loss of protein (premature termination codon is located at least 54 nucleotides upstream of the final exon-exon junction). (SP) 0251 - This variant is heterozygous. (I) 0301 - Variant is absent from gnomAD (both v2 and v3). (SP) 0701 - Other NMD-predicted variants comparable to the one identified in this case have very strong previous evidence for pathogenicity (DECIPHER, Clinvar). (SP) 0807 - This variant has no previous evidence of pathogenicity. (I) 0905 - No published segregation evidence has been identified for this variant. (I) 1007 - No published functional evidence has been identified for this variant. (I) Legend: (SP) - Supporting pathogenic, (I) - Information, (SB) - Supporting benign

NM_004618.5(TOP3A):c.1111delinsGG (p.Pro371fs)

Gene: TOP3A (DNA topoisomerase III alpha; minus strand). Cytogenetic location: 17p11.2.
Variant type: Indel.
Coding change: c.1111delinsGG on transcript NM_004618.5 (MANE Select); coding-DNA position 1111, C replaced by GG.
Protein change: p.Pro371fs; shifts the reading frame from proline 371.
Molecular consequence: frameshift variant.
Genome position (GRCh38, 1-based): chr17:18,292,815, G replaced by CC on the plus strand (C replaced by GG on the coding strand, the reverse complement: TOP3A is on the minus strand). VCF-style: chr17-18292815-G-CC. GRCh37 (hg19) VCF-style: chr17-18196129-G-CC.
Other names: c.826delinsGG, p.Pro276fs (NM_001320759.2); short protein forms P276fs, P371fs.
Identifiers: ClinVar variation 3377253 (VCV003377253.1).